The following is an entry in ClinVar:

ClinVar aggregate classification (germline): Pathogenic (1 of 4 stars; one submission).

Submission:

Labcorp Genetics (formerly Invitae), Labcorp
Classification: Pathogenic. Last evaluated: 2022-07-05. Review status: criteria provided, single submitter. Criteria: Invitae Variant Classification Sherloc (09022015). Collection method: clinical testing. Allele origin: germline.
Comment: This sequence change creates a premature translational stop signal (p.Glu131Glyfs*9) in the TDP2 gene. It is expected to result in an absent or disrupted protein product. Loss-of-function variants in TDP2 are known to be pathogenic (PMID: 24658003). This variant is not present in population databases (gnomAD no frequency). This variant has not been reported in the literature in individuals affected with TDP2-related conditions. For these reasons, this variant has been classified as Pathogenic.

Literature cited by the submitters: PubMed 24658003.

NM_016614.3(TDP2):c.392_395del (p.Glu131fs)

Gene: TDP2 (tyrosyl-DNA phosphodiesterase 2; minus strand). Cytogenetic location: 6p22.3.
Variant type: Microsatellite.
Coding change: c.392_395del on transcript NM_016614.3 (MANE Select); coding-DNA positions 392 to 395, 4 bases deleted (AGAG; older notation c.392_395delAGAG).
Protein change: p.Glu131fs; shifts the reading frame from glutamic acid 131.
Molecular consequence: frameshift variant.
Genome position (GRCh38, 1-based): chr6:24,658,591-24,658,594, CTCT deleted on the plus strand (AGAG on the coding strand, the reverse complement: TDP2 is on the minus strand); deleting any 4 consecutive bases within chr6:24,658,591-24,658,596 gives the same sequence; the c. name uses the placement nearest the transcript's 3' end. VCF-style (leftmost placement, unchanged base first): chr6-24658590-CCTCT-C. GRCh37 (hg19) VCF-style: chr6-24658818-CCTCT-C.
Other names: short protein forms E131fs.
Identifiers: ClinVar variation 2197639 (VCV002197639.1), dbSNP rs2532242996, ClinGen allele CA2578543881.
Genomic context (GRCh38, chr6:24,658,590, plus strand): 5'-ATTACTATTAAATAGAAGTGATAATACTTACAAAGCTAAGTAGGAACACACCCCTCGAGC[CCTCT>C]CTGACAGATTGTTTAGATCTAATCCATCAATATTCCAGGTAATGAGAGAGAACATGCTGC-3'